The following is an entry in ClinVar:

ClinVar aggregate classification (germline): Uncertain significance (1 of 4 stars; one submission).

Conditions:
Familial thoracic aortic aneurysm and aortic dissection (TAAD). Also called: Thoracic aortic aneurysms and dissections. Identifiers: Orphanet 91387, MedGen C4707243, MONDO:0019625.
Hereditary cancer-predisposing syndrome. Also called: Neoplastic Syndromes, Hereditary; Tumor predisposition; Hereditary Cancer Syndrome; Hereditary neoplastic syndrome. Identifiers: Orphanet 140162, MedGen C0027672, MeSH D009386, MONDO:0015356.

Allele frequency attached by ClinVar (database versions not stated): gnomAD 0.00001.
gnomAD v4.1: 1 of 1,613,766 alleles (0.000062%); highest among the groups gnomAD compares: Non-Finnish European, 0.000085%; no homozygotes.

Submission:

Ambry Genetics
Classification: Uncertain significance for Hereditary cancer-predisposing syndrome; Familial thoracic aortic aneurysm and aortic dissection. Last evaluated: 2026-08-11. Review status: criteria provided, single submitter. Criteria: Ambry Variant Classification Scheme 2023. Collection method: clinical testing. Allele origin: germline.
Comment: The p.I74T variant (also known as c.221T>C), located in coding exon 1 of the SMAD4 gene, results from a T to C substitution at nucleotide position 221. The isoleucine at codon 74 is replaced by threonine, an amino acid with similar properties. This amino acid position is highly conserved in available vertebrate species. In addition, this alteration is predicted to be deleterious by in silico analysis. Based on the available evidence, the clinical significance of this variant remains unclear.

NM_005359.6(SMAD4):c.221T>C (p.Ile74Thr)

Gene: SMAD4 (SMAD family member 4; plus strand). Cytogenetic location: 18q21.2.
Variant type: single nucleotide variant.
Coding change: c.221T>C on transcript NM_005359.6 (MANE Select); coding-DNA position 221, T replaced by C.
Protein change: p.Ile74Thr; replaces isoleucine 74 with threonine.
Molecular consequence: missense variant. On other transcripts: non-coding transcript variant (2).
Genome position (GRCh38, 1-based): chr18:51,047,267, T>C. VCF-style: chr18-51047267-T-C. GRCh37 (hg19) VCF-style: chr18-48573637-T-C.
Other names: c.221T>C, p.Ile74Thr (NM_001407041.1, NM_001407042.1, NM_001407043.1); short protein forms I74T.
Identifiers: ClinVar variation 3238406 (VCV003238406.2), dbSNP rs1909572002.